The following is an entry in ClinVar:

NM_002474.3(MYH11):c.5696A>G (p.Asn1899Ser)

Genes: MYH11 (myosin heavy chain 11; minus strand), NDE1 (nudE neurodevelopment protein 1; plus strand). Cytogenetic location: 16p13.11.
Variant type: single nucleotide variant.
Coding change: c.5696A>G on transcript NM_002474.3 (MANE Select); coding-DNA position 5696, A replaced by G.
Protein change: p.Asn1899Ser; replaces asparagine 1899 with serine.
Molecular consequence: missense variant. On other transcripts: intron variant (2).
Genome position (GRCh38, 1-based): chr16:15,714,999, T>C on the plus strand (A>G on the coding strand, the complement: MYH11 is on the minus strand). VCF-style: chr16-15714999-T-C. GRCh37 (hg19) VCF-style: chr16-15808856-T-C.
Other names: c.5717A>G, p.Asn1906Ser (NM_001040113.2, NM_001040114.2); c.5696A>G, p.Asn1899Ser (NM_022844.3); c.948-9192T>C (NM_001143979.2, NM_017668.3); short protein forms N1906S, N1899S.
Identifiers: ClinVar variation 413425 (VCV000413425.31), dbSNP rs79129097, ClinGen allele CA7921160.
Genomic context (GRCh38, chr16:15,714,999, plus strand): 5'-CGGCCCATGGCCTCGTTGCTCTCCGTGGCCTCATCCAGCTCCCGCTGCAGCTTCCTGCGG[T>C]TGGCGTTGATGCGCTGGGACTCCTCCTCTGCCTCCTCCAGCTGCCTCTTGAGCTGCTTGA-3'
Protein context (NP_002465.1, residues 1889-1909): AEEESQRINA[Asn1899Ser]RRKLQRELDE

ClinVar aggregate classification (germline): Benign/Likely benign. Review status: criteria provided, multiple submitters, no conflicts (2 of 4 stars). 10 submissions from 10 submitters: Benign (1); Likely benign (9). Last evaluated 2026-02-02.

Conditions:
MYH11-related disorder. Also called: MYH11-related condition.
Familial thoracic aortic aneurysm and aortic dissection (TAAD). Also called: Thoracic aortic aneurysms and dissections. Identifiers: Orphanet 91387, MedGen C4707243, MONDO:0019625.
Aortic aneurysm, familial thoracic 4 (AAT4). Also called: AORTIC ANEURYSM/AORTIC DISSECTION AND PATENT DUCTUS ARTERIOSUS. Identifiers: MedGen C1851504, MONDO:0007568, OMIM 132900.

Allele frequency attached by ClinVar (database versions not stated): gnomAD 0.00003 and 0.00013; TOPMed 0.00018; 1000 Genomes Project 30x 0.00094; 1000 Genomes Project 0.00100.
gnomAD v4.1: 210 of 1,614,034 alleles (0.013%); highest among the groups gnomAD compares: East Asian, 0.44%; 1 homozygote.

Submissions (10):

Labcorp Genetics (formerly Invitae), Labcorp
Classification: Benign for Aortic aneurysm, familial thoracic 4. Last evaluated: 2026-02-02. Review status: criteria provided, single submitter. Criteria: Invitae Variant Classification Sherloc (09022015). Collection method: clinical testing. Allele origin: germline.

PreventionGenetics, part of Exact Sciences
Classification: Likely benign for MYH11-related condition. Last evaluated: 2025-04-30. Review status: criteria provided, single submitter. Criteria: ACMG Guidelines, 2015. Collection method: clinical testing. Allele origin: germline.
Comment: This variant is classified as likely benign based on ACMG/AMP sequence variant interpretation guidelines (Richards et al. 2015 PMID: 25741868, with internal and published modifications).

Blueprint Genetics
Classification: Likely benign. Last evaluated: 2024-09-18. Review status: criteria provided, single submitter. Criteria: ACMG Guidelines, 2015. Collection method: clinical testing. Allele origin: germline.

Women's Health and Genetics/Laboratory Corporation of America, LabCorp
Classification: Likely benign. Last evaluated: 2022-02-05. Review status: criteria provided, single submitter. Criteria: LabCorp Variant Classification Summary - May 2015. Collection method: clinical testing. Allele origin: germline.

Ambry Genetics
Classification: Likely benign for Familial thoracic aortic aneurysm and aortic dissection. Last evaluated: 2019-07-24. Review status: criteria provided, single submitter. Criteria: Ambry Variant Classification Scheme 2023. Collection method: clinical testing. Allele origin: germline.

GeneDx
Classification: Likely benign. Last evaluated: 2019-06-04. Review status: criteria provided, single submitter. Criteria: GeneDx Variant Classification Process June 2021. Collection method: clinical testing. Allele origin: germline. Affected: yes.
Comment: This variant is associated with the following publications: (PMID: 21984973)

Color Diagnostics, LLC DBA Color Health
Classification: Likely benign for Familial thoracic aortic aneurysm and aortic dissection. Last evaluated: 2018-04-13. Review status: criteria provided, single submitter. Criteria: ACMG Guidelines, 2015. Collection method: clinical testing. Allele origin: germline.

Illumina Laboratory Services, Illumina
Classification: Likely benign for Aortic aneurysm, familial thoracic 4. Last evaluated: 2018-01-13. Review status: criteria provided, single submitter. Criteria: ICSL Variant Classification Criteria 13 December 2019. Collection method: clinical testing. Allele origin: germline.
Comment: This variant was observed in the ICSL laboratory as part of a predisposition screen in an ostensibly healthy population. It had not been previously curated by ICSL or reported in the Human Gene Mutation Database (HGMD: prior to June 1st, 2018), and was therefore a candidate for classification through an automated scoring system. Utilizing variant allele frequency, disease prevalence and penetrance estimates, and inheritance mode, an automated score was calculated to assess if this variant is too frequent to cause the disease. Based on the score and internal cut-off values, a variant classified as likely benign is not then subjected to further curation. The score for this variant resulted in a classification of likely benign for this disease.

ARUP Laboratories, Molecular Genetics and Genomics, ARUP Laboratories
Classification: Likely benign. Last evaluated: 2017-05-02. Review status: criteria provided, single submitter. Criteria: ARUP Molecular Germline Variant Investigation Process. Collection method: clinical testing. Allele origin: germline.
Comment: The p.Asn1899Ser variant (rs79129097) has not been reported in association with aortopathy in medical literature or in gene specific variation databases. This variant is listed in the Genome Aggregation Database with an East Asian population frequency of 0.49 percent (identified on 93 out of 18,866 chromosomes). The asparagine at position 1899 is moderately conserved (Alamut v.2.8.1) and computational analyses of the effects of the p.Asn1899Ser variant on protein structure and function predict a neutral effect (SIFT: tolerated, Align GVGD: C0, PolyPhen-2: benign). Based on these observations, the p.Asn1899Ser variant is likely to be benign.

Breakthrough Genomics
Classification: Likely benign. Review status: criteria provided, single submitter. Criteria: ACMG Guidelines, 2015. Collection method: not provided. Allele origin: germline. Inheritance: Autosomal recessive inheritance. Affected: yes.